The following is an entry in ClinVar:

ClinVar aggregate classification (germline): Uncertain significance. Review status: criteria provided, multiple submitters, no conflicts (2 of 4 stars). 3 submissions from 3 submitters: Uncertain significance (3). Last evaluated 2024-07-29.

Conditions:
Inborn genetic diseases. Identifiers: MedGen C0950123, MeSH D030342.
Ullrich congenital muscular dystrophy 2 (UCMD2). Identifiers: Orphanet 75840, MedGen C4225314, MONDO:0014654, OMIM 616470.
Bethlem myopathy 2 (BTHLM2). Identifiers: Orphanet 536516, Orphanet 610, MedGen C4225313, MONDO:0034022, OMIM 616471.

Allele frequency attached by ClinVar (database versions not stated): ExAC 0.00001; gnomAD 0.00001; gnomAD exomes 0.00001; TOPMed 0.00001.
gnomAD v4.1: 4 of 1,614,082 alleles (0.00025%); highest among the groups gnomAD compares: Admixed American, 0.0067%; no homozygotes.

Submissions (3):

Labcorp Genetics (formerly Invitae), Labcorp
Classification: Uncertain significance for Bethlem myopathy 2; Ullrich congenital muscular dystrophy 2. Last evaluated: 2024-07-29. Review status: criteria provided, single submitter. Criteria: Invitae Variant Classification Sherloc (09022015). Collection method: clinical testing. Allele origin: germline.
Comment: This sequence change replaces valine, which is neutral and non-polar, with methionine, which is neutral and non-polar, at codon 861 of the COL12A1 protein (p.Val861Met). This variant is present in population databases (rs780466316, gnomAD 0.009%). This variant has not been reported in the literature in individuals affected with COL12A1-related conditions. ClinVar contains an entry for this variant (Variation ID: 1365982). Advanced modeling of protein sequence and biophysical properties (such as structural, functional, and spatial information, amino acid conservation, physicochemical variation, residue mobility, and thermodynamic stability) performed at Invitae indicates that this missense variant is not expected to disrupt COL12A1 protein function with a negative predictive value of 80%. In summary, the available evidence is currently insufficient to determine the role of this variant in disease. Therefore, it has been classified as a Variant of Uncertain Significance.

Ambry Genetics
Classification: Uncertain significance for Inborn genetic diseases. Last evaluated: 2023-01-26. Review status: criteria provided, single submitter. Criteria: Ambry Variant Classification Scheme 2023. Collection method: clinical testing. Allele origin: germline.

GeneDx
Classification: Uncertain significance. Last evaluated: 2022-01-12. Review status: criteria provided, single submitter. Criteria: GeneDx Variant Classification Process June 2021. Collection method: clinical testing. Allele origin: germline. Affected: yes.
Comment: In silico analysis supports that this missense variant does not alter protein structure/function; Has not been previously published as pathogenic or benign to our knowledge

NM_004370.6(COL12A1):c.2581G>A (p.Val861Met)

Gene: COL12A1 (collagen type XII alpha 1 chain; minus strand). Cytogenetic location: 6q13.
Variant type: single nucleotide variant.
Coding change: c.2581G>A on transcript NM_004370.6 (MANE Select); coding-DNA position 2581, G replaced by A.
Protein change: p.Val861Met; replaces valine 861 with methionine.
Molecular consequence: missense variant. On other transcripts: intron variant (1).
Genome position (GRCh38, 1-based): chr6:75,175,167, C>T on the plus strand (G>A on the coding strand, the complement: COL12A1 is on the minus strand). VCF-style: chr6-75175167-C-T. GRCh37 (hg19) VCF-style: chr6-75884883-C-T.
Other names: c.74-22685G>A (NM_080645.3); short protein forms V861M.
Identifiers: ClinVar variation 1365982 (VCV001365982.9), dbSNP rs780466316, ClinGen allele CA3893941.